The following is an entry in ClinVar:

NM_032656.4(DHX37):c.979C>T (p.Arg327Trp)

Gene: DHX37 (DEAH-box helicase 37; minus strand). Cytogenetic location: 12q24.31.
Variant type: single nucleotide variant.
Coding change: c.979C>T on transcript NM_032656.4 (MANE Select); coding-DNA position 979, C replaced by T.
Protein change: p.Arg327Trp; replaces arginine 327 with tryptophan.
Molecular consequence: missense variant.
Genome position (GRCh38, 1-based): chr12:124,975,420, G>A on the plus strand (C>T on the coding strand, the complement: DHX37 is on the minus strand). VCF-style: chr12-124975420-G-A. GRCh37 (hg19) VCF-style: chr12-125459966-G-A.
Other names: short protein forms R327W.
Identifiers: ClinVar variation 2086394 (VCV002086394.4), dbSNP rs368318256, ClinGen allele CA6872275.

ClinVar aggregate classification (germline): Uncertain significance (1 of 4 stars; one submission).

Allele frequency attached by ClinVar (database versions not stated): ExAC 0.00003; gnomAD 0.00003; TOPMed 0.00003; ESP Exome Variant Server 0.00008.
gnomAD v4.1: 31 of 1,612,678 alleles (0.0019%); highest among the groups gnomAD compares: Middle Eastern, 0.016%; no homozygotes.

Submission:

Labcorp Genetics (formerly Invitae), Labcorp
Classification: Uncertain significance. Last evaluated: 2025-09-04. Review status: criteria provided, single submitter. Criteria: Invitae Variant Classification Sherloc (09022015). Collection method: clinical testing. Allele origin: germline.
Comment: This sequence change replaces arginine, which is basic and polar, with tryptophan, which is neutral and slightly polar, at codon 327 of the DHX37 protein (p.Arg327Trp). This variant is present in population databases (rs368318256, gnomAD 0.01%). This variant has not been reported in the literature in individuals affected with DHX37-related conditions. ClinVar contains an entry for this variant (Variation ID: 2086394). An algorithm developed to predict the effect of missense changes on protein structure and function (PolyPhen-2) suggests that this variant is likely to be tolerated. In summary, the available evidence is currently insufficient to determine the role of this variant in disease. Therefore, it has been classified as a Variant of Uncertain Significance.